The following is an entry in ClinVar:

ClinVar aggregate classification (germline): Uncertain significance (1 of 4 stars; one submission).

Submission:

Labcorp Genetics (formerly Invitae), Labcorp
Classification: Uncertain significance. Last evaluated: 2025-02-23. Review status: criteria provided, single submitter. Criteria: Invitae Variant Classification Sherloc (09022015). Collection method: clinical testing. Allele origin: germline.
Comment: This sequence change replaces glutamic acid, which is acidic and polar, with lysine, which is basic and polar, at codon 349 of the MBD4 protein (p.Glu349Lys). This variant is not present in population databases (gnomAD no frequency). This variant has not been reported in the literature in individuals affected with MBD4-related conditions. An algorithm developed to predict the effect of missense changes on protein structure and function outputs the following: PolyPhen-2: "Benign". The lysine amino acid residue is found in multiple mammalian species, which suggests that this missense change does not adversely affect protein function. In summary, the available evidence is currently insufficient to determine the role of this variant in disease. Therefore, it has been classified as a Variant of Uncertain Significance.

NM_001276270.2(MBD4):c.1045G>A (p.Glu349Lys)

Gene: MBD4 (methyl-CpG binding domain 4, DNA glycosylase; minus strand). Cytogenetic location: 3q21.3.
Variant type: single nucleotide variant.
Coding change: c.1045G>A on transcript NM_001276270.2 (MANE Select); coding-DNA position 1045, G replaced by A.
Protein change: p.Glu349Lys; replaces glutamic acid 349 with lysine.
Molecular consequence: missense variant. On other transcripts: intron variant (1).
Genome position (GRCh38, 1-based): chr3:129,436,599, C>T on the plus strand (G>A on the coding strand, the complement: MBD4 is on the minus strand). VCF-style: chr3-129436599-C-T. GRCh37 (hg19) VCF-style: chr3-129155442-C-T.
Other names: c.1045G>A, p.Glu349Lys (NM_001276271.2, NM_001276272.2, NM_003925.3); c.247+1209G>A (NM_001276273.2); short protein forms E349K.
Identifiers: ClinVar variation 4713670 (VCV004713670.1).